The following is an entry in ClinVar:

ClinVar aggregate classification (germline): Uncertain significance (1 of 4 stars; one submission).

Conditions:
Inborn genetic diseases. Identifiers: MedGen C0950123, MeSH D030342.

Submission:

Ambry Genetics
Classification: Uncertain significance for Inborn genetic diseases. Last evaluated: 2026-05-26. Review status: criteria provided, single submitter. Criteria: Ambry Variant Classification Scheme 2023. Collection method: clinical testing. Allele origin: germline.
Comment: The p.R126I variant (also known as c.377G>T), located in coding exon 3 of the SBDS gene, results from a G to T substitution at nucleotide position 377. The arginine at codon 126 is replaced by isoleucine, an amino acid with similar properties. This amino acid position is conserved. In addition, this alteration is predicted to be deleterious by in silico analysis. Based on the available evidence, the clinical significance of this variant remains unclear.

NM_016038.4(SBDS):c.377G>T (p.Arg126Ile)

Gene: SBDS (SBDS ribosome maturation factor; minus strand). Cytogenetic location: 7q11.21.
Variant type: single nucleotide variant.
Coding change: c.377G>T on transcript NM_016038.4 (MANE Select); coding-DNA position 377, G replaced by T.
Protein change: p.Arg126Ile; replaces arginine 126 with isoleucine.
Molecular consequence: missense variant.
Genome position (GRCh38, 1-based): chr7:66,993,299, C>A on the plus strand (G>T on the coding strand, the complement: SBDS is on the minus strand). VCF-style: chr7-66993299-C-A. GRCh37 (hg19) VCF-style: chr7-66458286-C-A.
Other names: short protein forms R126I.
Identifiers: ClinVar variation 4864069 (VCV004864069.1).
Genomic context (GRCh38, chr7:66,993,299, plus strand): 5'-GTTTTCACCGAATAGTGGATGTCCTTCATGGCTCTCTCAATAAGGATCACGGTGTATGGT[C>A]TCTTTGTTTCAGGATTCACACATTTGTCTGCCACAATAGTTGCAATGTCCCTAAACATCT-3'
Protein context (NP_057122.2, residues 116-136): ADKCVNPETK[Arg126Ile]PYTVILIERA